The following is an entry in ClinVar:

NM_000744.7(CHRNA4):c.1720A>G (p.Ile574Val)

Gene: CHRNA4 (cholinergic receptor nicotinic alpha 4 subunit; minus strand). Cytogenetic location: 20q13.33.
Variant type: single nucleotide variant.
Coding change: c.1720A>G on transcript NM_000744.7 (MANE Select); coding-DNA position 1720, A replaced by G.
Protein change: p.Ile574Val; replaces isoleucine 574 with valine.
Molecular consequence: missense variant. On other transcripts: non-coding transcript variant (1).
Genome position (GRCh38, 1-based): chr20:63,349,691, T>C on the plus strand (A>G on the coding strand, the complement: CHRNA4 is on the minus strand). VCF-style: chr20-63349691-T-C. GRCh37 (hg19) VCF-style: chr20-61981043-T-C.
Other names: c.1192A>G, p.Ile398Val (NM_001256573.2); short protein forms I574V, I398V.
Identifiers: ClinVar variation 1435424 (VCV001435424.8), dbSNP rs748328796, ClinGen allele CA9957541.
Genomic context (GRCh38, chr20:63,349,691, plus strand): 5'-CACAGCCATGGGCGGGACTTACCGAGAAGTCTGTGTCTTCGGCCTTCAGGTGGTCTGCAA[T>C]GTACTGGACGCCCTCCACCGCCCGGGTCAGGGCCGGCGACAGGGGCAGGTGCGGGGGCGG-3'
Protein context (NP_000735.1, residues 564-584): LTRAVEGVQY[Ile574Val]ADHLKAEDTD

ClinVar aggregate classification (germline): Uncertain significance (1 of 4 stars; one submission).

Conditions:
Familial sleep-related hypermotor epilepsy. Also called: Autosomal Dominant Sleep-Related Hypermotor (Hyperkinetic) Epilepsy. Identifiers: Orphanet 98784, MedGen C3696898, MONDO:0000030.

Allele frequency attached by ClinVar (database versions not stated): ExAC 0.00002; gnomAD exomes 0.00001.
gnomAD v4.1: 11 of 1,612,766 alleles (0.00068%); highest among the groups gnomAD compares: East Asian, 0.0045%; no homozygotes.

Submission:

Labcorp Genetics (formerly Invitae), Labcorp
Classification: Uncertain significance. Last evaluated: 2021-06-24. Review status: criteria provided, single submitter. Criteria: Invitae Variant Classification Sherloc (09022015). Collection method: clinical testing. Allele origin: germline.
Comment: This variant has not been reported in the literature in individuals affected with CHRNA4-related conditions. This sequence change replaces isoleucine with valine at codon 574 of the CHRNA4 protein (p.Ile574Val). The isoleucine residue is highly conserved and there is a small physicochemical difference between isoleucine and valine. This variant is present in population databases (rs748328796, ExAC 0.02%). Algorithms developed to predict the effect of missense changes on protein structure and function output the following: SIFT: "Deleterious"; PolyPhen-2: "Benign"; Align-GVGD: "Class C0". The valine amino acid residue is found in multiple mammalian species, which suggests that this missense change does not adversely affect protein function. In summary, the available evidence is currently insufficient to determine the role of this variant in disease. Therefore, it has been classified as a Variant of Uncertain Significance.